The following is an entry in ClinVar:

NM_000550.3(TYRP1):c.1104G>T (p.Lys368Asn)

Genes: LURAP1L-AS1 (LURAP1L antisense RNA 1; minus strand), TYRP1 (tyrosinase related protein 1; plus strand). Cytogenetic location: 9p23.
Variant type: single nucleotide variant.
Coding change: c.1104G>T on transcript NM_000550.3 (MANE Select); coding-DNA position 1104, G replaced by T.
Protein change: p.Lys368Asn; replaces lysine 368 with asparagine.
Molecular consequence: missense variant.
Genome position (GRCh38, 1-based): chr9:12,704,548, G>T. VCF-style: chr9-12704548-G-T. GRCh37 (hg19) VCF-style: chr9-12704548-G-T.
Other names: c.1104G>T (NM_000550.2); short protein forms K368N.
Identifiers: ClinVar variation 1384675 (VCV001384675.4), dbSNP rs776084293, ClinGen allele CA4985449.
Genomic context (GRCh38, chr9:12,704,548, plus strand): 5'-CAATAGTTTTACTATTCTCCTCCTTACCATGTGTCTAGGTTACAGTGACCCCACGGGAAA[G>T]TATGACCCTGCTGTTCGAAGTCTTCACAATTTGGCTCATCTATTCCTGAATGGAACAGGG-3'
Protein context (NP_000541.1, residues 358-378): TVEGYSDPTG[Lys368Asn]YDPAVRSLHN

ClinVar aggregate classification (germline): Uncertain significance. Review status: criteria provided, multiple submitters, no conflicts (2 of 4 stars). 2 submissions from 2 submitters: Uncertain significance (2). Last evaluated 2025-04-03.

Conditions:
Inborn genetic diseases. Identifiers: MedGen C0950123, MeSH D030342.

Allele frequency attached by ClinVar (database versions not stated): gnomAD 0.00001 and 0.00003; TOPMed 0.00002.
gnomAD v4.1: 31 of 1,612,532 alleles (0.0019%); highest among the groups gnomAD compares: Middle Eastern, 0.066%; no homozygotes.

Submissions (2):

Ambry Genetics
Classification: Uncertain significance for Inborn genetic diseases. Last evaluated: 2025-04-03. Review status: criteria provided, single submitter. Criteria: Ambry Variant Classification Scheme 2023. Collection method: clinical testing. Allele origin: germline.

Labcorp Genetics (formerly Invitae), Labcorp
Classification: Uncertain significance. Last evaluated: 2022-10-05. Review status: criteria provided, single submitter. Criteria: Invitae Variant Classification Sherloc (09022015). Collection method: clinical testing. Allele origin: germline.
Comment: This sequence change replaces lysine, which is basic and polar, with asparagine, which is neutral and polar, at codon 368 of the TYRP1 protein (p.Lys368Asn). This variant is present in population databases (rs776084293, gnomAD 0.03%). This variant has not been reported in the literature in individuals affected with TYRP1-related conditions. ClinVar contains an entry for this variant (Variation ID: 1384675). Advanced modeling of protein sequence and biophysical properties (such as structural, functional, and spatial information, amino acid conservation, physicochemical variation, residue mobility, and thermodynamic stability) performed at Invitae indicates that this missense variant is not expected to disrupt TYRP1 protein function. In summary, the available evidence is currently insufficient to determine the role of this variant in disease. Therefore, it has been classified as a Variant of Uncertain Significance.